The following is an entry in ClinVar:

NM_016507.4(CDK12):c.4300G>A (p.Glu1434Lys)

Gene: CDK12 (cyclin dependent kinase 12; plus strand). Cytogenetic location: 17q12.
Variant type: single nucleotide variant.
Coding change: c.4300G>A on transcript NM_016507.4 (MANE Select); coding-DNA position 4300, G replaced by A.
Protein change: p.Glu1434Lys; replaces glutamic acid 1434 with lysine.
Molecular consequence: missense variant.
Genome position (GRCh38, 1-based): chr17:39,531,143, G>A. VCF-style: chr17-39531143-G-A. GRCh37 (hg19) VCF-style: chr17-37687396-G-A.
Other names: c.4273G>A, p.Glu1425Lys (NM_015083.4); short protein forms E1425K, E1434K.
Identifiers: ClinVar variation 4224325 (VCV004224325.1).

ClinVar aggregate classification (germline): Uncertain significance (1 of 4 stars; one submission).

Submission:

Ambry Genetics
Classification: Uncertain significance. Last evaluated: 2025-08-01. Review status: criteria provided, single submitter. Criteria: Ambry Variant Classification Scheme 2023. Collection method: clinical testing. Allele origin: germline.
Comment: The p.E1434K variant (also known as c.4300G>A), located in coding exon 14 of the CDK12 gene, results from a G to A substitution at nucleotide position 4300. The glutamic acid at codon 1434 is replaced by lysine, an amino acid with similar properties. This amino acid position is conserved. In addition, the in silico prediction for this alteration is inconclusive. Based on the available evidence, the clinical significance of this variant remains unclear.